The following is an entry in ClinVar:

ClinVar aggregate classification (germline): Uncertain significance. Review status: criteria provided, multiple submitters, no conflicts (2 of 4 stars). 2 submissions from 2 submitters: Uncertain significance (2). Last evaluated 2025-08-01.

Conditions:
Inborn genetic diseases. Identifiers: MedGen C0950123, MeSH D030342.

gnomAD v4.1: 85 of 1,614,032 alleles (0.0053%); highest among the groups gnomAD compares: Non-Finnish European, 0.0069%; no homozygotes.

Submissions (2):

Ambry Genetics
Classification: Uncertain significance for Inborn genetic diseases. Last evaluated: 2025-08-01. Review status: criteria provided, single submitter. Criteria: Ambry Variant Classification Scheme 2023. Collection method: clinical testing. Allele origin: germline.

Labcorp Genetics (formerly Invitae), Labcorp
Classification: Uncertain significance. Last evaluated: 2024-10-23. Review status: criteria provided, single submitter. Criteria: Invitae Variant Classification Sherloc (09022015). Collection method: clinical testing. Allele origin: germline.
Comment: This sequence change replaces arginine, which is basic and polar, with histidine, which is basic and polar, at codon 72 of the TAB2 protein (p.Arg72His). This variant is present in population databases (rs773614769, gnomAD 0.004%). This variant has not been reported in the literature in individuals affected with TAB2-related conditions. Invitae Evidence Modeling of protein sequence and biophysical properties (such as structural, functional, and spatial information, amino acid conservation, physicochemical variation, residue mobility, and thermodynamic stability) indicates that this missense variant is not expected to disrupt TAB2 protein function with a negative predictive value of 80%. In summary, the available evidence is currently insufficient to determine the role of this variant in disease. Therefore, it has been classified as a Variant of Uncertain Significance.

NM_001292034.3(TAB2):c.215G>A (p.Arg72His)

Gene: TAB2 (TGF-beta activated kinase 1 (MAP3K7) binding protein 2; plus strand). Cytogenetic location: 6q25.1.
Variant type: single nucleotide variant.
Coding change: c.215G>A on transcript NM_001292034.3 (MANE Select); coding-DNA position 215, G replaced by A.
Protein change: p.Arg72His; replaces arginine 72 with histidine.
Molecular consequence: missense variant.
Genome position (GRCh38, 1-based): chr6:149,378,130, G>A. VCF-style: chr6-149378130-G-A. GRCh37 (hg19) VCF-style: chr6-149699266-G-A.
Other names: c.119G>A, p.Arg40His (NM_001292035.3); c.215G>A, p.Arg72His (NM_001369506.1, NM_015093.6); c.215G>A (NM_015093.4); short protein forms R40H, R72H.
Identifiers: ClinVar variation 3688383 (VCV003688383.3).